The following is an entry in ClinVar:

ClinVar aggregate classification (germline): Uncertain significance (1 of 4 stars; one submission).

gnomAD v4.1: 1 of 1,613,910 alleles (0.000062%); highest among the groups gnomAD compares: Non-Finnish European, 0.000085%; no homozygotes.

Submission:

Labcorp Genetics (formerly Invitae), Labcorp
Classification: Uncertain significance. Last evaluated: 2025-10-18. Review status: criteria provided, single submitter. Criteria: Invitae Variant Classification Sherloc (09022015). Collection method: clinical testing. Allele origin: germline.
Comment: This sequence change replaces aspartic acid, which is acidic and polar, with glutamic acid, which is acidic and polar, at codon 1235 of the DSCAML1 protein (p.Asp1235Glu). This variant is present in population databases (no rsID available, gnomAD 0.0009%). This variant has not been reported in the literature in individuals affected with DSCAML1-related conditions. An algorithm developed to predict the effect of missense changes on protein structure and function (PolyPhen-2) suggests that this variant is likely to be disruptive. In summary, the available evidence is currently insufficient to determine the role of this variant in disease. Therefore, it has been classified as a Variant of Uncertain Significance.

NM_020693.4(DSCAML1):c.3525C>G (p.Asp1175Glu)

Gene: DSCAML1 (DS cell adhesion molecule like 1; minus strand). Cytogenetic location: 11q23.3.
Variant type: single nucleotide variant.
Coding change: c.3525C>G on transcript NM_020693.4 (MANE Select); coding-DNA position 3525, C replaced by G.
Protein change: p.Asp1175Glu; replaces aspartic acid 1175 with glutamic acid.
Molecular consequence: missense variant.
Genome position (GRCh38, 1-based): chr11:117,458,797, G>C on the plus strand (C>G on the coding strand, the complement: DSCAML1 is on the minus strand). VCF-style: chr11-117458797-G-C. GRCh37 (hg19) VCF-style: chr11-117329513-G-C.
Other names: short protein forms D1175E.
Identifiers: ClinVar variation 4698241 (VCV004698241.1).